The following is an entry in ClinVar:

NM_000310.4(PPT1):c.18C>T (p.Cys6=)

Gene: PPT1 (palmitoyl-protein thioesterase 1; minus strand). Cytogenetic location: 1p34.2.
Variant type: single nucleotide variant.
Coding change: c.18C>T on transcript NM_000310.4 (MANE Select); coding-DNA position 18, C replaced by T.
Protein change: p.Cys6=; no amino-acid change (cysteine 6 retained).
Molecular consequence: synonymous variant.
Genome position (GRCh38, 1-based): chr1:40,097,221, G>A on the plus strand (C>T on the coding strand, the complement: PPT1 is on the minus strand). VCF-style: chr1-40097221-G-A. GRCh37 (hg19) VCF-style: chr1-40562893-G-A.
Other names: p.C6C:TGC>TGT; c.18C>T, p.Cys6= (NM_001142604.2, NM_001363695.2).
Identifiers: ClinVar variation 206636 (VCV000206636.9), dbSNP rs765938149, ClinGen allele CA316909.

ClinVar aggregate classification (germline): Benign/Likely benign. Review status: criteria provided, multiple submitters, no conflicts (2 of 4 stars). 3 submissions from 3 submitters: Benign (1); Likely benign (2). Last evaluated 2024-10-21.

Conditions:
Neuronal ceroid lipofuscinosis 1 (CLN1). Also called: PPT1-Related Neuronal Ceroid-Lipofuscinosis; CEROID LIPOFUSCINOSIS, NEURONAL, 1, VARIABLE AGE AT ONSET. Identifiers: Orphanet 228329, MedGen C1850451, MONDO:0009744, OMIM 256730.

Allele frequency attached by ClinVar (database versions not stated): TOPMed below 0.00001; ExAC 0.00001; gnomAD 0.00001; gnomAD exomes 0.00001.
gnomAD v4.1: 12 of 1,613,852 alleles (0.00074%); highest among the groups gnomAD compares: Non-Finnish European, 0.00093%; no homozygotes.

Submissions (3):

Labcorp Genetics (formerly Invitae), Labcorp
Classification: Likely benign for Neuronal ceroid lipofuscinosis 1. Last evaluated: 2024-10-21. Review status: criteria provided, single submitter. Criteria: Invitae Variant Classification Sherloc (09022015). Collection method: clinical testing. Allele origin: germline.

Blueprint Genetics
Classification: Likely benign. Last evaluated: 2024-07-05. Review status: criteria provided, single submitter. Criteria: ACMG Guidelines, 2015. Collection method: clinical testing. Allele origin: germline.

GeneDx
Classification: Benign. Last evaluated: 2014-09-02. Review status: criteria provided, single submitter. Criteria: GeneDx Variant Classification (06012015). Collection method: clinical testing. Allele origin: germline. Affected: yes.
Comment: This variant is considered likely benign or benign based on one or more of the following criteria: it is a conservative change, it occurs at a poorly conserved position in the protein, it is predicted to be benign by multiple in silico algorithms, and/or has population frequency not consistent with disease.